The following is an entry in ClinVar:

NM_004006.3(DMD):c.5521G>C (p.Glu1841Gln)

Gene: DMD (dystrophin; minus strand). Cytogenetic location: Xp21.1.
Variant type: single nucleotide variant.
Coding change: c.5521G>C on transcript NM_004006.3 (MANE Select); coding-DNA position 5521, G replaced by C.
Protein change: p.Glu1841Gln; replaces glutamic acid 1841 with glutamine.
Molecular consequence: missense variant.
Genome position (GRCh38, 1-based): chrX:32,346,008, C>G on the plus strand (G>C on the coding strand, the complement: DMD is on the minus strand). VCF-style: chrX-32346008-C-G. GRCh37 (hg19) VCF-style: chrX-32364125-C-G.
Other names: c.5497G>C, p.Glu1833Gln (NM_000109.4); c.5509G>C, p.Glu1837Gln (NM_004009.3); c.5152G>C, p.Glu1718Gln (NM_004010.3); c.1498G>C, p.Glu500Gln (NM_004011.4); c.1489G>C, p.Glu497Gln (NM_004012.4); short protein forms E1718Q, E1833Q, E1837Q, E1841Q, E497Q, E500Q.
Identifiers: ClinVar variation 3364375 (VCV003364375.1).

ClinVar aggregate classification (germline): Uncertain significance (1 of 4 stars; one submission).

gnomAD v4.1: 8 of 1,209,556 alleles (0.00066%); highest among the groups gnomAD compares: Non-Finnish European, 0.00089%; no homozygotes.

Submission:

GeneDx
Classification: Uncertain significance. Last evaluated: 2023-11-15. Review status: criteria provided, single submitter. Criteria: GeneDx Variant Classification Process June 2021. Collection method: clinical testing. Allele origin: germline. Affected: yes.
Comment: Not observed at significant frequency in large population cohorts (gnomAD); In silico analysis supports that this missense variant does not alter protein structure/function; Has not been previously published as pathogenic or benign to our knowledge